The following is an entry in ClinVar:

NM_025137.4(SPG11):c.5842dup (p.Ile1948fs)

Gene: SPG11 (SPG11 vesicle trafficking associated, spatacsin; minus strand). Cytogenetic location: 15q21.1.
Variant type: Duplication.
Coding change: c.5842dup on transcript NM_025137.4 (MANE Select); coding-DNA position 5842, one base duplicated (A; older notation c.5842dupA).
Protein change: p.Ile1948fs; shifts the reading frame from isoleucine 1948.
Molecular consequence: frameshift variant.
Genome position (GRCh38, 1-based): chr15:44,583,838, T duplicated on the plus strand (A on the coding strand, the reverse complement: SPG11 is on the minus strand). VCF-style (leftmost placement, unchanged base first): chr15-44583837-A-AT. GRCh37 (hg19) VCF-style: chr15-44876035-A-AT.
Other names: c.5842dup, p.Ile1948fs (NM_001160227.2); short protein forms I1948fs.
Identifiers: ClinVar variation 424589 (VCV000424589.8), dbSNP rs1555448810, ClinGen allele CA16619929.

ClinVar aggregate classification (germline): Pathogenic. Review status: criteria provided, multiple submitters, no conflicts (2 of 4 stars). 3 submissions from 3 submitters: Pathogenic (3). Last evaluated 2024-09-27.

Conditions:
Hereditary spastic paraplegia 11. Also called: Spastic Paraplegia 11; SPASTIC PARAPLEGIA, AUTOSOMAL RECESSIVE, COMPLICATED, WITH THIN CORPUS CALLOSUM; SPASTIC PARAPLEGIA, AUTOSOMAL RECESSIVE, WITH MENTAL IMPAIRMENT AND THIN CORPUS CALLOSUM; Spastic paraplegia, mental retardation and thin corpus callosum; Nakamura Osame syndrome; Autosomal recessive hereditary spastic paraplegia, mental impairment, and thin corpus callosum. Identifiers: Orphanet 2822, MedGen C1858479, MONDO:0011445, OMIM 604360.

Allele frequency attached by ClinVar (database versions not stated): TOPMed below 0.00001.

Submissions (3):

Labcorp Genetics (formerly Invitae), Labcorp
Classification: Pathogenic for Hereditary spastic paraplegia 11. Last evaluated: 2024-09-27. Review status: criteria provided, single submitter. Criteria: Invitae Variant Classification Sherloc (09022015). Collection method: clinical testing. Allele origin: germline.
Comment: This sequence change creates a premature translational stop signal (p.Ile1948Asnfs*14) in the SPG11 gene. It is expected to result in an absent or disrupted protein product. Loss-of-function variants in SPG11 are known to be pathogenic (PMID: 19105190, 20110243, 22154821, 26556829). This variant is not present in population databases (gnomAD no frequency). This variant has not been reported in the literature in individuals affected with SPG11-related conditions. ClinVar contains an entry for this variant (Variation ID: 424589). For these reasons, this variant has been classified as Pathogenic.

GeneDx
Classification: Pathogenic. Last evaluated: 2017-03-30. Review status: criteria provided, single submitter. Criteria: GeneDx Variant Classification (06012015). Collection method: clinical testing. Allele origin: germline. Affected: yes.
Comment: The c.5842dupA pathogenic variant in the SPG11 gene has not been reported previously as a pathogenic variant, nor as a benign variant, to our knowledge. The c.5842dupA variant causes a frameshift starting with codon Isoleucine 1948, changes this amino acid to a Asparagine residue, and creates a premature Stop codon at position 14 of the new reading frame, denoted p.Ile1948AsnfsX14. This variant is predicted to cause loss of normal protein function either through protein truncation or nonsense-mediated mRNA decay. The c.5842dupA variant is not observed in large population cohorts (Lek et al., 2016; 1000 Genomes Consortium et al., 2015; Exome Variant Server). We interpret c.5842dupA as a pathogenic variant.

Genome-Nilou Lab
Classification: Pathogenic for Hereditary spastic paraplegia 11. Review status: criteria provided, single submitter. Criteria: ACMG Guidelines, 2015. Collection method: clinical testing. Allele origin: germline.

Literature cited by the submitters: PubMed 19105190 (cited by Labcorp Genetics (formerly Invitae), Labcorp); PubMed 20110243 (cited by Labcorp Genetics (formerly Invitae), Labcorp); PubMed 22154821 (cited by Labcorp Genetics (formerly Invitae), Labcorp); PubMed 26556829 (cited by Labcorp Genetics (formerly Invitae), Labcorp).